The following is an entry in ClinVar:

ClinVar aggregate classification (germline): Benign. Review status: criteria provided, single submitter (1 of 4 stars). 2 submissions from 2 submitters: Benign (1). 1 of the submissions does not count toward it. Last evaluated 2025-07-14.

Conditions:
KMT2D-related disorder. Also called: KMT2D-Related Disorders.
Kabuki syndrome. Also called: Kabuki make-up syndrome; NIIKAWA-KUROKI SYNDROME. Identifiers: Orphanet 2322, MedGen C0796004, MONDO:0016512.

Allele frequency attached by ClinVar (database versions not stated): ExAC 0.00002; TOPMed 0.00003.

Submissions (2):

Labcorp Genetics (formerly Invitae), Labcorp
Classification: Benign for Kabuki syndrome. Last evaluated: 2025-07-14. Review status: criteria provided, single submitter. Criteria: Invitae Variant Classification Sherloc (09022015). Collection method: clinical testing. Allele origin: germline.

PreventionGenetics, part of Exact Sciences
Classification: Uncertain significance for KMT2D-related condition. Last evaluated: 2024-02-02. Review status: no assertion criteria provided. Collection method: clinical testing. Allele origin: germline. Not counted in ClinVar's aggregate classification.
Comment: The KMT2D c.13340A>G variant is predicted to result in the amino acid substitution p.Asn4447Ser. To our knowledge, this variant has not been reported in the literature. This variant is reported in 0.014% of alleles in individuals of Latino descent in gnomAD. At this time, the clinical significance of this variant is uncertain due to the absence of conclusive functional and genetic evidence.

NM_003482.4(KMT2D):c.13340A>G (p.Asn4447Ser)

Gene: KMT2D (lysine methyltransferase 2D; minus strand). Cytogenetic location: 12q13.12.
Variant type: single nucleotide variant.
Coding change: c.13340A>G on transcript NM_003482.4 (MANE Select); coding-DNA position 13340, A replaced by G.
Protein change: p.Asn4447Ser; replaces asparagine 4447 with serine.
Molecular consequence: missense variant.
Genome position (GRCh38, 1-based): chr12:49,031,365, T>C on the plus strand (A>G on the coding strand, the complement: KMT2D is on the minus strand). VCF-style: chr12-49031365-T-C. GRCh37 (hg19) VCF-style: chr12-49425148-T-C.
Other names: short protein forms N4447S.
Identifiers: ClinVar variation 2059032 (VCV002059032.6), dbSNP rs781657986, ClinGen allele CA6546041.